The following is an entry in ClinVar:

NM_001130987.2(DYSF):c.5419C>T (p.Arg1807Trp)

Gene: DYSF (dysferlin; plus strand). Cytogenetic location: 2p13.2.
Variant type: single nucleotide variant.
Coding change: c.5419C>T on transcript NM_001130987.2 (MANE Select); coding-DNA position 5419, C replaced by T.
Protein change: p.Arg1807Trp; replaces arginine 1807 with tryptophan.
Molecular consequence: missense variant.
Genome position (GRCh38, 1-based): chr2:71,667,477, C>T. VCF-style: chr2-71667477-C-T. GRCh37 (hg19) VCF-style: chr2-71894607-C-T.
Other names: NM_001130987.2(DYSF):c.5419C>T; p.Arg1807Trp; c.5305C>T, p.Arg1769Trp (NM_001130455.2); c.5260C>T, p.Arg1754Trp (NM_001130976.2); c.5323C>T, p.Arg1775Trp (NM_001130977.2); c.5365C>T, p.Arg1789Trp (NM_001130978.2); c.5395C>T, p.Arg1799Trp (NM_001130979.2); c.5353C>T, p.Arg1785Trp (NM_001130980.2); and 7 more; short protein forms R1768W, R1807W, R1785W, R1769W, R1775W, R1800W, R1806W, R1754W.
Identifiers: ClinVar variation 286151 (VCV000286151.71), dbSNP rs746243052, ClinGen allele CA1707356.
Genomic context (GRCh38, chr2:71,667,477, plus strand): 5'-GAGCGTCTGGCTCTGCATGTGCTTCAGCAGCAGGGCCTGGTCCCGGAGCACGTGGAGTCA[C>T]GGCCCCTCTACAGCCCCCTGCAGCCAGACATCGAGCAGGTAGGACCTTGACCCTTGGGTC-3'
Protein context (NP_001124459.1, residues 1797-1817): QGLVPEHVES[Arg1807Trp]PLYSPLQPDI

ClinVar aggregate classification (germline): Pathogenic. Review status: reviewed by expert panel (3 of 4 stars). 15 submissions from 15 submitters: Pathogenic (1). 14 of the submissions do not count toward it. Last evaluated 2025-07-29.

Conditions:
DYSF-related disorder. Also called: DYSF-related condition; DYSF-related disorders.
Autosomal recessive limb-girdle muscular dystrophy. Identifiers: Orphanet 102015, MedGen C2931907, MONDO:0015152.
Autosomal recessive limb-girdle muscular dystrophy type 2B (LGMDR2). Also called: MUSCULAR DYSTROPHY, LIMB-GIRDLE, AUTOSOMAL RECESSIVE 2; Limb-girdle muscular dystrophy, type 2B; Limb-Girdle Muscular Dystrophy Type 2B (LGMD2B); MUSCULAR DYSTROPHY, LIMB-GIRDLE, TYPE 3. Identifiers: Orphanet 268, MedGen C1850889, MONDO:0009676, OMIM 253601.
Miyoshi muscular dystrophy 1 (MMD1). Identifiers: Orphanet 45448, MedGen C4551973, MONDO:0024545, OMIM 254130.
Distal myopathy with anterior tibial onset. Identifiers: Orphanet 178400, MedGen C1847532, MONDO:0011721, OMIM 606768.
Neuromuscular disease caused by qualitative or quantitative defects of dysferlin. Also called: Dysferlinopathy; Qualitative or quantitative defects of dysferlin. Identifiers: Orphanet 207073, MedGen C2931687, MONDO:0016145.

Allele frequency attached by ClinVar (database versions not stated): gnomAD 0.00001; gnomAD exomes 0.00001; TOPMed 0.00001; ExAC 0.00001.
gnomAD v4.1: 21 of 1,614,038 alleles (0.0013%); highest among the groups gnomAD compares: Admixed American, 0.005%; no homozygotes.

Submissions 1 to 9 of 15:

ClinGen Limb Girdle Muscular Dystrophy Variant Curation Expert Panel, ClinGen
Classification: Pathogenic for Autosomal recessive limb-girdle muscular dystrophy. Last evaluated: 2025-07-29. Review status: reviewed by expert panel. Criteria: ClinGen LGMD VCEP ACMG Specifications DYSF V1.0.0. Collection method: curation. Allele origin: germline. Inheritance: Autosomal recessive inheritance.
Comment: The NM_003494.4: c.5302C>T variant in DYSF, which is also known as NM_001130987.2: c.5419C>T p.(Arg1807Trp), is a missense variant predicted to cause substitution of arginine to tryptophan at amino acid 1768, p.(Arg1768Trp). This variant has been identified in at least 15 individuals with features consistent with LGMD (PMID: 17698709, 21522182, 25591676, 30564623, 32934002, 34559919; LOVD DYSF_000126), including in a homozygous state in a proband from a family without reported consanguinity (0.5 pts, PMID: 21522182) and confirmed in trans with a likely pathogenic or pathogenic variant (NM_003494.4: c.5979dup p.(Glu1994ArgfsTer3), 1.0 pt, PMID: 17698709) (PM3). This variant was identified in conjunction with another presumed diagnostic DYSF variant in at least one individual with a clinical diagnosis of LGMD and absent dysferlin protein expression in skeletal muscle, which is highly specific for DYSF-related LGMD (PMID: 25591676; PP4_Strong). It was also shown to segregate with autosomal recessive LGMD in three affected members from a single family (PMID: 21522182; PP1, capped with PP4_Strong). The filtering allele frequency of this variant is 0.0001734 in gnomAD v4.1.0 exomes (the upper threshold of the 95% CI of 3/44720 Admixed American chromosomes), which is greater than the LGMD VCEP threshold (≤0.0001) (PM2_Supporting not met). Immunofluorescence and 2-A assays of dysferlin membrane localization in HEK293T cells showed the Arg1768Trp protein did not reach the cell membrane, indicating an impact on protein function (PMID: 35028538) (PS3_Moderate). In addition, the computational predictor REVEL gives a score of 0.704, which is above the LGMD VCEP threshold of ≥0.70, evidence that correlates with impact to DYSF function (PP3). In summary, this variant meets the criteria to be classified as Pathogenic for autosomal recessive limb girdle muscular dystrophy based on the ACMG/AMP criteria applied, as specified by the ClinGen LGMD VCEP (LGMD VCEP specifications version 1.0.0; 07/29/2025): PM3, PP4_Strong, PP1, PS3_Moderate, PP3.

Labcorp Genetics (formerly Invitae), Labcorp
Classification: Pathogenic for Neuromuscular disease caused by qualitative or quantitative defects of dysferlin. Last evaluated: 2025-12-15. Review status: criteria provided, single submitter. Criteria: Invitae Variant Classification Sherloc (09022015). Collection method: clinical testing. Allele origin: germline. Not counted in ClinVar's aggregate classification.
Comment: This sequence change replaces arginine, which is basic and polar, with tryptophan, which is neutral and slightly polar, at codon 1768 of the DYSF protein (p.Arg1768Trp). This variant is present in population databases (rs746243052, gnomAD 0.006%). This missense change has been observed in individuals with clinical features of dysferlinopathies (PMID: 17070050, 17698709, 18853459, 25591676, 25783436, 27647186). ClinVar contains an entry for this variant (Variation ID: 286151). Invitae Evidence Modeling of protein sequence and biophysical properties (such as structural, functional, and spatial information, amino acid conservation, physicochemical variation, residue mobility, and thermodynamic stability) indicates that this missense variant is expected to disrupt DYSF protein function with a positive predictive value of 95%. For these reasons, this variant has been classified as Pathogenic.

Natera, Inc.
Classification: Pathogenic for Limb-girdle muscular dystrophy type 2B. Last evaluated: 2025-08-30. Review status: criteria provided, single submitter. Criteria: Natera Variant Classification Schema (03/2026). Collection method: clinical testing. Allele origin: germline. Not counted in ClinVar's aggregate classification.
Comment: The c.5302C>T variant in DYSF is a missense variant predicted to cause substitution of arginine to tryptophan at amino acid 1768. This variant is rare in the general population with a frequency below the threshold expected for the associated phenotype(s). This variant has been observed in one or more individuals affected with the associated recessive disease, as either homozygous or compound heterozygous with a second variant (PMID: 21522182, 29797799, 33715265, 32576226). Given the available evidence, this variant is classified as Pathogenic.

GeneDx
Classification: Likely pathogenic. Last evaluated: 2025-08-21. Review status: criteria provided, single submitter. Criteria: GeneDx Variant Classification Process June 2021. Collection method: clinical testing. Allele origin: germline. Affected: yes. Not counted in ClinVar's aggregate classification.
Comment: Not observed at significant frequency in large population cohorts (gnomAD); In silico analysis supports that this missense variant has a deleterious effect on protein structure/function; This variant is associated with the following publications: (PMID: 16996541, 25783436, 25591676, 33715265, 32400077, Fedotov2016[casereport], 21522182, 31407473, 18853459, 17070050, 32528171, 27647186, 17698709, 29792937, 18808059, 33610434, 25046369, 34440373, 33927379, 28403181, 35314707, 31475473, 34559919, 38127101, 32576226)

Fulgent Genetics
Classification: Pathogenic for Autosomal recessive limb-girdle muscular dystrophy type 2B; Miyoshi muscular dystrophy 1; Distal myopathy with anterior tibial onset. Last evaluated: 2024-04-01. Review status: criteria provided, single submitter. Criteria: ACMG Guidelines, 2015. Collection method: clinical testing. Allele origin: germline. Not counted in ClinVar's aggregate classification.

3billion
Classification: Likely pathogenic for Autosomal recessive limb-girdle muscular dystrophy type 2B. Last evaluated: 2024-03-14. Review status: criteria provided, single submitter. Criteria: ACMG Guidelines, 2015. Collection method: clinical testing. Allele origin: germline. Affected: yes. Not counted in ClinVar's aggregate classification.
Comment: The variant is observed at an extremely low frequency in the gnomAD v2.1.1 dataset (total allele frequency: 0.001%). Predicted Consequence/Location: The majority of the known disease-causing variants of this gene are variants expected to result in premature termination of the protein. In silico tool predictions suggest damaging effect of the variant on gene or gene product [REVEL: 0.70 (>=0.6, sensitivity 0.68 and specificity 0.92); 3Cnet: 0.90 (>=0.6, sensitivity 0.72 and precision 0.9)]. Same nucleotide change resulting in same amino acid change has been previously reported as pathogenic/likely pathogenic with strong evidence (ClinVar ID: VCV000286151 /PMID: 16996541). Different missense changes at the same codon (p.Arg1807Gln, p.Arg1807Pro) have been reported as pathogenic/likely pathogenic with strong evidence (ClinVar ID: VCV000282624, VCV001991591 /PMID: 31475473). Therefore, this variant is classified as Likely pathogenic according to the recommendation of ACMG/AMP guideline.

Baylor Genetics
Classification: Pathogenic for Miyoshi muscular dystrophy 1. Last evaluated: 2024-03-04. Review status: criteria provided, single submitter. Criteria: ACMG Guidelines, 2015. Collection method: clinical testing. Allele origin: unknown. Not counted in ClinVar's aggregate classification.

Blueprint Genetics
Classification: Pathogenic for DYSF-related disorders. Last evaluated: 2024-02-20. Review status: criteria provided, single submitter. Criteria: ACMG Guidelines, 2015. Collection method: clinical testing. Allele origin: germline. Affected: yes. Observed: 3 variant alleles. Not counted in ClinVar's aggregate classification.

Revvity Omics, Revvity
Classification: Likely pathogenic. Last evaluated: 2023-10-03. Review status: criteria provided, single submitter. Criteria: ACMG Guidelines, 2015. Collection method: clinical testing. Allele origin: germline. Not counted in ClinVar's aggregate classification.